The following is an entry in ClinVar:

ClinVar aggregate classification (germline): Uncertain significance (1 of 4 stars; one submission).

Submission:

CeGaT Center for Human Genetics Tuebingen
Classification: Uncertain significance. Last evaluated: 2026-03-01. Review status: criteria provided, single submitter. Criteria: CeGaT Center For Human Genetics Tuebingen Variant Classification Criteria Version 2. Collection method: clinical testing. Allele origin: germline. Affected: yes. Observed: 1 variant allele.
Comment: MYPN: PM2

NM_032578.4(MYPN):c.3803A>T (p.His1268Leu)

Gene: MYPN (myopalladin; plus strand). Cytogenetic location: 10q21.3.
Variant type: single nucleotide variant.
Coding change: c.3803A>T on transcript NM_032578.4 (MANE Select); coding-DNA position 3803, A replaced by T.
Protein change: p.His1268Leu; replaces histidine 1268 with leucine.
Molecular consequence: missense variant. On other transcripts: non-coding transcript variant (2).
Genome position (GRCh38, 1-based): chr10:68,210,295, A>T. VCF-style: chr10-68210295-A-T. GRCh37 (hg19) VCF-style: chr10-69970052-A-T.
Other names: c.3803A>T, p.His1268Leu (NM_001256267.2); c.2921A>T, p.His974Leu (NM_001256268.2); short protein forms H1268L, H974L.
Identifiers: ClinVar variation 4823499 (VCV004823499.4).
Genomic context (GRCh38, chr10:68,210,295, plus strand): 5'-TGCTGGACTGCATTCCTTTGATCATAACACATTATTTGGTCCATTTTCCAGCTCAGTGGC[A>T]CCATCAGATCCCACCGCCCATGTCTGTCCGGCCCAGTGGCAGTCGCTACGGATCTCTCAC-3'
Protein context (NP_115967.2, residues 1258-1278): TARLDIYAQW[His1268Leu]HQIPPPMSVR